The following is an entry in ClinVar:

NM_052947.4(ALPK2):c.640G>A (p.Gly214Arg)

Gene: ALPK2 (alpha kinase 2; minus strand). Cytogenetic location: 18q21.31.
Variant type: single nucleotide variant.
Coding change: c.640G>A on transcript NM_052947.4 (MANE Select); coding-DNA position 640, G replaced by A.
Protein change: p.Gly214Arg; replaces glycine 214 with arginine.
Molecular consequence: missense variant.
Genome position (GRCh38, 1-based): chr18:58,580,136, C>T on the plus strand (G>A on the coding strand, the complement: ALPK2 is on the minus strand). VCF-style: chr18-58580136-C-T. GRCh37 (hg19) VCF-style: chr18-56247368-C-T.
Other names: short protein forms G214R.
Identifiers: ClinVar variation 3531796 (VCV003531796.1).

ClinVar aggregate classification (germline): Uncertain significance (1 of 4 stars; one submission).

Submission:

Ambry Genetics
Classification: Uncertain significance. Last evaluated: 2024-10-19. Review status: criteria provided, single submitter. Criteria: Ambry Variant Classification Scheme 2023. Collection method: clinical testing. Allele origin: germline.
Comment: The p.G214R variant (also known as c.640G>A), located in coding exon 3 of the ALPK2 gene, results from a G to A substitution at nucleotide position 640. The glycine at codon 214 is replaced by arginine, an amino acid with dissimilar properties. This amino acid position is conserved. In addition, this alteration is predicted to be tolerated by in silico analysis. Based on the available evidence, the clinical significance of this variant remains unclear.